The following is an entry in ClinVar:

ClinVar aggregate classification (germline): Uncertain significance (1 of 4 stars; one submission).

Conditions:
Aortic valve disease 2 (AOVD2). Identifiers: MedGen C3542024, MONDO:0013902, OMIM 614823.

Submission:

Labcorp Genetics (formerly Invitae), Labcorp
Classification: Uncertain significance for Aortic valve disease 2. Last evaluated: 2022-10-18. Review status: criteria provided, single submitter. Criteria: Invitae Variant Classification Sherloc (09022015). Collection method: clinical testing. Allele origin: germline.
Comment: This sequence change results in a frameshift in the SMAD6 gene (p.Tyr264Serfs*275). While this is not anticipated to result in nonsense mediated decay, it is expected to disrupt the last 233 amino acid(s) of the SMAD6 protein and extend the protein by 41 additional amino acid residues. This variant is not present in population databases (gnomAD no frequency). This variant has not been reported in the literature in individuals affected with SMAD6-related conditions. Experimental studies and prediction algorithms are not available or were not evaluated, and the functional significance of this variant is currently unknown. In summary, the available evidence is currently insufficient to determine the role of this variant in disease. Therefore, it has been classified as a Variant of Uncertain Significance.

NM_005585.5(SMAD6):c.791del (p.Tyr264fs)

Gene: SMAD6 (SMAD family member 6; plus strand). Cytogenetic location: 15q22.31.
Variant type: Deletion.
Coding change: c.791del on transcript NM_005585.5 (MANE Select); coding-DNA position 791, one base deleted (A; older notation c.791delA).
Protein change: p.Tyr264fs; shifts the reading frame from tyrosine 264.
Molecular consequence: frameshift variant. On other transcripts: non-coding transcript variant (1).
Genome position (GRCh38, 1-based): chr15:66,704,049, A deleted. VCF-style (leftmost placement, unchanged base first): chr15-66704048-TA-T. GRCh37 (hg19) VCF-style: chr15-66996386-TA-T.
Other names: short protein forms Y264fs.
Identifiers: ClinVar variation 2025612 (VCV002025612.4), dbSNP rs2545313284, ClinGen allele CA2580089952.
Genomic context (GRCh38, chr15:66,704,048, plus strand): 5'-CTGTGCGGCTGCCACAGCTTCGCCGCCGCCGCCGACGGCCCTACCGTGTGCTGCAACCCC[TA>T]CCACTTCAGCCGGCTCTGCGGGCCCGGTGAGCGCGCTGCGCCGGCCGGGGGGGCCCCGGG-3'